The following is an entry in ClinVar:

NM_007294.4(BRCA1):c.4427A>G (p.Lys1476Arg)

Gene: BRCA1 (BRCA1 DNA repair associated; minus strand). Cytogenetic location: 17q21.31.
Variant type: single nucleotide variant.
Coding change: c.4427A>G on transcript NM_007294.4 (MANE Select); coding-DNA position 4427, A replaced by G.
Protein change: p.Lys1476Arg; replaces lysine 1476 with arginine.
Molecular consequence: missense variant. On other transcripts: intron variant (3).
Genome position (GRCh38, 1-based): chr17:43,076,545, T>C on the plus strand (A>G on the coding strand, the complement: BRCA1 is on the minus strand). VCF-style: chr17-43076545-T-C. GRCh37 (hg19) VCF-style: chr17-41228562-T-C.
Other names: c.4088A>G, p.Lys1363Arg (NM_001407956.1, NM_001407957.1, NM_001407958.1); c.4046A>G, p.Lys1349Arg (NM_001407959.1); c.4043A>G, p.Lys1348Arg (NM_001407960.1, NM_001407962.1); c.3539A>G, p.Lys1180Arg (NM_001407966.1); c.3920A>G, p.Lys1307Arg (NM_001407965.1); c.4040A>G, p.Lys1347Arg (NM_001407963.1); c.4418A>G, p.Lys1473Arg (NM_001407645.1, NM_001407644.1); c.4415A>G, p.Lys1472Arg (NM_001407646.1); and 71 more; short protein forms K1307R, K1347R, K1364R, K1386R, K1387R, K1409R, K1428R, K1432R.
Identifiers: ClinVar variation 2771147 (VCV002771147.3), dbSNP rs750437234, ClinGen allele CA10592683.

ClinVar aggregate classification (germline): Uncertain significance (1 of 4 stars; one submission).

Conditions:
Hereditary breast ovarian cancer syndrome. Also called: Hereditary breast and ovarian cancer syndrome; Hereditary breast and ovarian cancer syndrome (HBOC); BRCA1- and BRCA2-Associated Hereditary Breast and Ovarian Cancer; Hereditary breast and ovarian cancer; Breast and ovarian cancer; Hereditary breast and/or ovarian cancer syndrome. Identifiers: Orphanet 145, MedGen C0677776, MeSH D061325, MONDO:0003582. Disease mechanism: loss of function.

Submission:

Labcorp Genetics (formerly Invitae), Labcorp
Classification: Uncertain significance for Hereditary breast ovarian cancer syndrome. Last evaluated: 2023-10-23. Review status: criteria provided, single submitter. Criteria: Invitae Variant Classification Sherloc (09022015). Collection method: clinical testing. Allele origin: germline.
Comment: This sequence change replaces lysine, which is basic and polar, with arginine, which is basic and polar, at codon 1476 of the BRCA1 protein (p.Lys1476Arg). This variant is not present in population databases (gnomAD no frequency). This variant has not been reported in the literature in individuals affected with BRCA1-related conditions. Advanced modeling of protein sequence and biophysical properties (such as structural, functional, and spatial information, amino acid conservation, physicochemical variation, residue mobility, and thermodynamic stability) performed at Invitae indicates that this missense variant is not expected to disrupt BRCA1 protein function with a negative predictive value of 95%. In summary, the available evidence is currently insufficient to determine the role of this variant in disease. Therefore, it has been classified as a Variant of Uncertain Significance.